The following is an entry in ClinVar:

NM_001164508.2(NEB):c.19557C>T (p.His6519=)

Genes: NEB (nebulin; minus strand), LOC126806373 (BRD4-independent group 4 enhancer GRCh37_chr2:152410007-152411206; plus strand). Cytogenetic location: 2q23.3.
Variant type: single nucleotide variant.
Coding change: c.19557C>T on transcript NM_001164508.2 (MANE Select); coding-DNA position 19557, C replaced by T.
Protein change: p.His6519=; no amino-acid change (histidine 6519 retained).
Molecular consequence: synonymous variant.
Genome position (GRCh38, 1-based): chr2:151,553,897, G>A on the plus strand (C>T on the coding strand, the complement: NEB is on the minus strand). VCF-style: chr2-151553897-G-A. GRCh37 (hg19) VCF-style: chr2-152410411-G-A.
Other names: c.19557C>T, p.His6519= (NM_001164507.2, NM_001271208.2); c.14454C>T, p.His4818= (NM_004543.5).
Identifiers: ClinVar variation 390796 (VCV000390796.12), dbSNP rs371785128, ClinGen allele CA1907613.

ClinVar aggregate classification (germline): Likely benign. Review status: criteria provided, multiple submitters, no conflicts (2 of 4 stars). 2 submissions from 2 submitters: Likely benign (2). Last evaluated 2025-11-25.

Conditions:
Nemaline myopathy 2 (NEM2). Also called: Nemaline myopathy 2, autosomal recessive. Identifiers: MedGen C1850569, MONDO:0009725, OMIM 256030.

Allele frequency attached by ClinVar (database versions not stated): ExAC 0.00005; gnomAD 0.00005 and 0.00006; gnomAD exomes 0.00005 and 0.00007; TOPMed 0.00005; ESP Exome Variant Server 0.00008.
gnomAD v4.1: 78 of 1,613,794 alleles (0.0048%); highest among the groups gnomAD compares: East Asian, 0.04%; no homozygotes.

Submissions (2):

Labcorp Genetics (formerly Invitae), Labcorp
Classification: Likely benign for Nemaline myopathy 2. Last evaluated: 2025-11-25. Review status: criteria provided, single submitter. Criteria: Invitae Variant Classification Sherloc (09022015). Collection method: clinical testing. Allele origin: germline.

GeneDx
Classification: Likely benign. Last evaluated: 2016-11-15. Review status: criteria provided, single submitter. Criteria: GeneDx Variant Classification (06012015). Collection method: clinical testing. Allele origin: germline. Affected: yes.
Comment: This variant is considered likely benign or benign based on one or more of the following criteria: it is a conservative change, it occurs at a poorly conserved position in the protein, it is predicted to be benign by multiple in silico algorithms, and/or has population frequency not consistent with disease.